The following is an entry in ClinVar:

ClinVar aggregate classification (germline): Uncertain significance (1 of 4 stars; one submission).

Conditions:
Intellectual developmental disorder, X-linked, syndromic, Hedera type. Also called: Syndromic X-linked intellectual disability Hedera type. Identifiers: Orphanet 93952, MedGen C1845543, MONDO:0010319, OMIM 300423.

Allele frequency attached by ClinVar (database versions not stated): gnomAD exomes 0.00001; TOPMed 0.00001; ExAC 0.00001; ESP Exome Variant Server 0.00009.
gnomAD v4.1: 11 of 1,210,434 alleles (0.00091%); highest among the groups gnomAD compares: African/African-American, 0.0017%; no homozygotes.

Submission:

Labcorp Genetics (formerly Invitae), Labcorp
Classification: Uncertain significance for Intellectual developmental disorder, X-linked, syndromic, Hedera type. Last evaluated: 2023-10-03. Review status: criteria provided, single submitter. Criteria: Invitae Variant Classification Sherloc (09022015). Collection method: clinical testing. Allele origin: germline.
Comment: This sequence change falls in intron 6 of the ATP6AP2 gene. It does not directly change the encoded amino acid sequence of the ATP6AP2 protein. It affects a nucleotide within the consensus splice site. This variant is present in population databases (rs370220088, gnomAD 0.001%). This variant has not been reported in the literature in individuals affected with ATP6AP2-related conditions. ClinVar contains an entry for this variant (Variation ID: 1424480). Variants that disrupt the consensus splice site are a relatively common cause of aberrant splicing (PMID: 17576681, 9536098). Algorithms developed to predict the effect of sequence changes on RNA splicing suggest that this variant may disrupt the consensus splice site. In summary, the available evidence is currently insufficient to determine the role of this variant in disease. Therefore, it has been classified as a Variant of Uncertain Significance.

Literature cited by the submitters: PubMed 17576681; PubMed 9536098.

NM_005765.3(ATP6AP2):c.589-3A>G

Gene: ATP6AP2 (ATPase H+ transporting accessory protein 2; plus strand). Cytogenetic location: Xp11.4.
Variant type: single nucleotide variant.
Coding change: c.589-3A>G on transcript NM_005765.3 (MANE Select); 3 bases into the intron before coding-DNA position 589, A replaced by G.
Molecular consequence: intron variant.
Genome position (GRCh38, 1-based): chrX:40,599,589, A>G. VCF-style: chrX-40599589-A-G. GRCh37 (hg19) VCF-style: chrX-40458841-A-G.
Identifiers: ClinVar variation 1424480 (VCV001424480.6), dbSNP rs370220088, ClinGen allele CA10387248.